The following is an entry in ClinVar:

NC_000009.11:g.(?_3828272)_(5126791_?)del

Genes: SPATA6L (spermatogenesis associated 6 like; minus strand), AK3 (adenylate kinase 3; minus strand), CDC37L1 (cell division cycle 37 like 1, HSP90 cochaperone; plus strand), GLIS3 (GLIS family zinc finger 3; minus strand), JAK2 (Janus kinase 2; plus strand) and 4 more. Cytogenetic location: 9p24.2-24.1.
Variant type: Deletion.
Identifiers: ClinVar variation 2427400 (VCV002427400.4).

ClinVar aggregate classification (germline): Pathogenic (1 of 4 stars; one submission).

Submission:

Labcorp Genetics (formerly Invitae), Labcorp
Classification: Pathogenic. Last evaluated: 2023-10-13. Review status: criteria provided, single submitter. Criteria: Invitae Variant Classification Sherloc (09022015). Collection method: clinical testing. Allele origin: germline.
Comment: A gross deletion of the genomic region encompassing the full coding sequence of the GLIS3 gene has been identified. Loss-of-function variants in GLIS3 are known to be pathogenic (PMID: 16715098, 26259131). The boundaries of this event are unknown as they extend beyond the assayed region for this gene and therefore may encompass additional genes. This variant has not been reported in the literature in individuals affected with GLIS3-related conditions. For these reasons, this variant has been classified as Pathogenic.

Literature cited by the submitters: PubMed 16715098; PubMed 26259131.